The following is an entry in ClinVar:

NM_001363711.2(DUOX2):c.1395_1396del (p.Gln466fs)

Gene: DUOX2 (dual oxidase 2; minus strand). Cytogenetic location: 15q21.1.
Variant type: Deletion.
Coding change: c.1395_1396del on transcript NM_001363711.2 (MANE Select); coding-DNA positions 1395 to 1396, 2 bases deleted (CC; older notation c.1395_1396delCC).
Protein change: p.Gln466fs; shifts the reading frame from glutamine 466.
Molecular consequence: frameshift variant.
Genome position (GRCh38, 1-based): chr15:45,108,791-45,108,792, GG deleted on the plus strand (CC on the coding strand, the reverse complement: DUOX2 is on the minus strand); deleting any 2 consecutive bases within chr15:45,108,791-45,108,795 gives the same sequence; the c. name uses the placement nearest the transcript's 3' end. VCF-style (leftmost placement, unchanged base first): chr15-45108790-TGG-T. GRCh37 (hg19) VCF-style: chr15-45400988-TGG-T.
Other names: c.1395_1396del (NM_014080.4); c.1395_1396delCC (NM_014080.4); c.1395_1396del, p.Gln466fs (NM_014080.5); short protein forms Q466fs.
Identifiers: ClinVar variation 2267170 (VCV002267170.3), dbSNP rs2504775143, ClinGen allele CA2580089541.

ClinVar aggregate classification (germline): Pathogenic/Likely pathogenic. Review status: criteria provided, multiple submitters, no conflicts (2 of 4 stars). 2 submissions from 2 submitters: Pathogenic (1); Likely pathogenic (1). Last evaluated 2024-04-02.

Conditions:
Inborn genetic diseases. Identifiers: MedGen C0950123, MeSH D030342.
Thyroid dyshormonogenesis 6 (TDH6). Also called: THYROID HORMONOGENESIS, GENETIC DEFECT IN, 6; HYPOTHYROIDISM, CONGENITAL, DUE TO DYSHORMONOGENESIS, 6; Genetic transient congenital hypothyroidism. Identifiers: Orphanet 226316, Orphanet 95716, MedGen C1846632, MONDO:0011792, OMIM 607200.

Submissions (2):

Fulgent Genetics
Classification: Likely pathogenic for Thyroid dyshormonogenesis 6. Last evaluated: 2024-04-02. Review status: criteria provided, single submitter. Criteria: ACMG Guidelines, 2015. Collection method: clinical testing. Allele origin: germline.

Ambry Genetics
Classification: Pathogenic for Inborn genetic diseases. Last evaluated: 2022-01-28. Review status: criteria provided, single submitter. Criteria: Ambry Variant Classification Scheme 2023. Collection method: clinical testing. Allele origin: germline.
Comment: The c.1395_1396delCC (p.Q466Gfs*49) alteration, located in exon 12 (coding exon 11) of the DUOX2 gene, consists of a deletion of 2 nucleotides from position 1395 to 1396, causing a translational frameshift with a predicted alternate stop codon after 49 amino acids. This alteration is expected to result in loss of function by premature protein truncation or nonsense-mediated mRNA decay. This variant was not reported in population-based cohorts in the Genome Aggregation Database (gnomAD). This mutation has been identified in Sudanese individuals with congenital hypothyroidism in conjunction with variants in other genes (Watanabe, 2019; Bruellman, 2020). Based on the available evidence, this alteration is classified as pathogenic.

Literature cited by the submitters: PubMed 30375286 (cited by Ambry Genetics); PubMed 31867598 (cited by Ambry Genetics).